The following is an entry in ClinVar:

ClinVar aggregate classification (germline): Uncertain significance (1 of 4 stars; one submission).

Submission:

GeneDx
Classification: Uncertain significance. Last evaluated: 2024-09-20. Review status: criteria provided, single submitter. Criteria: GeneDx Variant Classification Process June 2021. Collection method: clinical testing. Allele origin: germline. Affected: yes.
Comment: In silico analysis supports that this missense variant has a deleterious effect on protein structure/function; Not observed at significant frequency in large population cohorts (gnomAD); Has not been previously published as pathogenic or benign to our knowledge

NM_015107.3(PHF8):c.2407G>A (p.Asp803Asn)

Gene: PHF8 (PHD finger protein 8; minus strand). Cytogenetic location: Xp11.22.
Variant type: single nucleotide variant.
Coding change: c.2407G>A on transcript NM_015107.3 (MANE Select); coding-DNA position 2407, G replaced by A.
Protein change: p.Asp803Asn; replaces aspartic acid 803 with asparagine.
Molecular consequence: missense variant.
Genome position (GRCh38, 1-based): chrX:53,984,950, C>T on the plus strand (G>A on the coding strand, the complement: PHF8 is on the minus strand). VCF-style: chrX-53984950-C-T. GRCh37 (hg19) VCF-style: chrX-54011383-C-T.
Other names: c.2515G>A, p.Asp839Asn (NM_001184896.1); c.2104G>A, p.Asp702Asn (NM_001184897.2); c.2356G>A, p.Asp786Asn (NM_001184898.2); short protein forms D702N, D786N, D803N, D839N.
Identifiers: ClinVar variation 3774277 (VCV003774277.1).